The following is an entry in ClinVar:

ClinVar aggregate classification (germline): Uncertain significance (1 of 4 stars; one submission).

Conditions:
T-cell immunodeficiency, congenital alopecia, and nail dystrophy. Also called: Congenital alopecia and nail dystrophy associated with severe functional T-cell immunodeficiency; Pignata Guarino syndrome. Identifiers: Orphanet 169095, MedGen C1866426, MONDO:0011132, OMIM 601705.

Allele frequency attached by ClinVar (database versions not stated): gnomAD exomes below 0.00001 and 0.00001; ExAC 0.00001; TOPMed 0.00002.
gnomAD v4.1: 7 of 1,612,220 alleles (0.00043%); highest among the groups gnomAD compares: Admixed American, 0.0067%; no homozygotes.

Submission:

Labcorp Genetics (formerly Invitae), Labcorp
Classification: Uncertain significance for T-cell immunodeficiency, congenital alopecia, and nail dystrophy. Last evaluated: 2022-07-11. Review status: criteria provided, single submitter. Criteria: Invitae Variant Classification Sherloc (09022015). Collection method: clinical testing. Allele origin: germline.
Comment: In summary, the available evidence is currently insufficient to determine the role of this variant in disease. Therefore, it has been classified as a Variant of Uncertain Significance. Algorithms developed to predict the effect of missense changes on protein structure and function (SIFT, PolyPhen-2, Align-GVGD) all suggest that this variant is likely to be tolerated. ClinVar contains an entry for this variant (Variation ID: 863051). This variant has not been reported in the literature in individuals affected with FOXN1-related conditions. This variant is present in population databases (rs757704079, gnomAD 0.009%). This sequence change replaces proline, which is neutral and non-polar, with leucine, which is neutral and non-polar, at codon 185 of the FOXN1 protein (p.Pro185Leu).

NM_001369369.1(FOXN1):c.554C>T (p.Pro185Leu)

Gene: FOXN1 (forkhead box N1; plus strand). Cytogenetic location: 17q11.2.
Variant type: single nucleotide variant.
Coding change: c.554C>T on transcript NM_001369369.1 (MANE Select); coding-DNA position 554, C replaced by T.
Protein change: p.Pro185Leu; replaces proline 185 with leucine.
Molecular consequence: missense variant.
Genome position (GRCh38, 1-based): chr17:28,524,933, C>T. VCF-style: chr17-28524933-C-T. GRCh37 (hg19) VCF-style: chr17-26851951-C-T.
Other names: c.554C>T, p.Pro185Leu (NM_003593.3); short protein forms P185L.
Identifiers: ClinVar variation 863051 (VCV000863051.7), dbSNP rs757704079, ClinGen allele CA8459257.
Genomic context (GRCh38, chr17:28,524,933, plus strand): 5'-TGGCGGAGGCCGAGGCCTTCCTGCCTGGCTTCTCAGCAGAGGCCTGGTGTAACGGGCTCC[C>T]CTACCCCAGCCAGGAGCATGGCCCCCAAGTCCTGGTGAGTACTAGTGGCCAGCGAGTGTC-3'
Protein context (NP_001356298.1, residues 175-195): FSAEAWCNGL[Pro185Leu]YPSQEHGPQV